The following is an entry in ClinVar:

NM_002878.4(RAD51D):c.802T>C (p.Trp268Arg)

Genes: RAD51D (RAD51 paralog D; minus strand), RAD51L3-RFFL (RAD51L3-RFFL readthrough; minus strand). Cytogenetic location: 17q12.
Variant type: single nucleotide variant.
Coding change: c.802T>C on transcript NM_002878.4 (MANE Select); coding-DNA position 802, T replaced by C.
Protein change: p.Trp268Arg; replaces tryptophan 268 with arginine.
Molecular consequence: missense variant. On other transcripts: non-coding transcript variant (3).
Genome position (GRCh38, 1-based): chr17:35,101,302, A>G on the plus strand (T>C on the coding strand, the complement: RAD51D is on the minus strand). VCF-style: chr17-35101302-A-G. GRCh37 (hg19) VCF-style: chr17-33428321-A-G.
Other names: c.862T>C, p.Trp288Arg (NM_001142571.2); c.466T>C, p.Trp156Arg (NM_133629.3); short protein forms W156R, W268R, W288R.
Identifiers: ClinVar variation 2625296 (VCV002625296.2), dbSNP rs755965977, ClinGen allele CA399086809.

ClinVar aggregate classification (germline): Uncertain significance (1 of 4 stars; one submission).

Conditions:
Hereditary cancer-predisposing syndrome. Also called: Tumor predisposition; Hereditary Cancer Syndrome; Hereditary neoplastic syndrome; Neoplastic Syndromes, Hereditary. Identifiers: Orphanet 140162, MedGen C0027672, MeSH D009386, MONDO:0015356.

Submission:

Ambry Genetics
Classification: Uncertain significance for Hereditary cancer-predisposing syndrome. Last evaluated: 2023-07-23. Review status: criteria provided, single submitter. Criteria: Ambry Variant Classification Scheme 2023. Collection method: clinical testing. Allele origin: germline.
Comment: The p.W268R variant (also known as c.802T>C), located in coding exon 9 of the RAD51D gene, results from a T to C substitution at nucleotide position 802. The tryptophan at codon 268 is replaced by arginine, an amino acid with dissimilar properties. This amino acid position is conserved. In addition, this alteration is predicted to be deleterious by in silico analysis. Since supporting evidence is limited at this time, the clinical significance of this alteration remains unclear.